The following is an entry in ClinVar:

ClinVar aggregate classification (germline): Uncertain significance (1 of 4 stars; one submission).

Submission:

Labcorp Genetics (formerly Invitae), Labcorp
Classification: Uncertain significance. Last evaluated: 2022-10-28. Review status: criteria provided, single submitter. Criteria: Invitae Variant Classification Sherloc (09022015). Collection method: clinical testing. Allele origin: germline.
Comment: In summary, the available evidence is currently insufficient to determine the role of this variant in disease. Therefore, it has been classified as a Variant of Uncertain Significance. Experimental studies and prediction algorithms are not available or were not evaluated, and the functional significance of this variant is currently unknown. This variant has not been reported in the literature in individuals affected with COMP-related conditions. This variant is present in population databases (rs770721341, gnomAD 0.02%). This variant, c.1479_1481del, results in the deletion of 1 amino acid(s) of the COMP protein (p.Glu493del), but otherwise preserves the integrity of the reading frame.

NM_000095.3(COMP):c.1476GGA[1] (p.Glu493del)

Gene: COMP (cartilage oligomeric matrix protein; minus strand). Cytogenetic location: 19p13.11.
Variant type: Microsatellite.
Coding change: c.1476GGA[1] on transcript NM_000095.3 (MANE Select); one copy of the 3-base unit GGA starting at c.1476; the reference has two copies in a row; one copy, 3 bases deleted.
Protein change: p.Glu493del; deletes glutamic acid 493.
Molecular consequence: inframe deletion.
Genome position (GRCh38, 1-based): chr19:18,785,973-18,785,975, TCC deleted on the plus strand (GGA on the coding strand, the reverse complement: COMP is on the minus strand); deleting any 3 consecutive bases within chr19:18,785,973-18,785,979 gives the same sequence; the position shown is the placement nearest the transcript's 3' end. VCF-style (leftmost placement, unchanged base first): chr19-18785972-GTCC-G. GRCh37 (hg19) VCF-style: chr19-18896782-GTCC-G.
Other names: short protein forms E493del.
Identifiers: ClinVar variation 2994403 (VCV002994403.3), dbSNP rs770721341, ClinGen allele CA9316412.
Genomic context (GRCh38, chr19:18,785,972, plus strand): 5'-GCCAGGAGCCCCCACTGGCCCCGCCCCCACCGCAGGCCCCGCCCCCGCCGTACTGTCCGC[GTCC>G]TCCTGGCCGGGGTTAGGCACCAGGCGGCAGTTGTCCCGACTGTCAGGGACTCCGTCATTG-3'